The following is an entry in ClinVar:

NM_016032.4(ZDHHC9):c.222G>A (p.Met74Ile)

Gene: ZDHHC9 (zDHHC palmitoyltransferase 9; minus strand). Cytogenetic location: Xq26.1.
Variant type: single nucleotide variant.
Coding change: c.222G>A on transcript NM_016032.4 (MANE Select); coding-DNA position 222, G replaced by A.
Protein change: p.Met74Ile; replaces methionine 74 with isoleucine.
Molecular consequence: missense variant.
Genome position (GRCh38, 1-based): chrX:129,829,087, C>T on the plus strand (G>A on the coding strand, the complement: ZDHHC9 is on the minus strand). VCF-style: chrX-129829087-C-T. GRCh37 (hg19) VCF-style: chrX-128963063-C-T.
Other names: c.222G>A, p.Met74Ile (NM_001008222.3); short protein forms M74I.
Identifiers: ClinVar variation 2129008 (VCV002129008.4), dbSNP rs2522218882, ClinGen allele CA414593039.

ClinVar aggregate classification (germline): Uncertain significance (1 of 4 stars; one submission).

Conditions:
Intellectual developmental disorder, X-linked, syndromic, Raymond type. Also called: Syndromic X-linked intellectual disability Raymond type. Identifiers: MedGen C3275406, MONDO:0010427, OMIM 300799.

Submission:

Labcorp Genetics (formerly Invitae), Labcorp
Classification: Uncertain significance for Intellectual developmental disorder, X-linked, syndromic, Raymond type. Last evaluated: 2022-04-21. Review status: criteria provided, single submitter. Criteria: Invitae Variant Classification Sherloc (09022015). Collection method: clinical testing. Allele origin: germline.
Comment: In summary, the available evidence is currently insufficient to determine the role of this variant in disease. Therefore, it has been classified as a Variant of Uncertain Significance. Algorithms developed to predict the effect of missense changes on protein structure and function (SIFT, PolyPhen-2, Align-GVGD) all suggest that this variant is likely to be tolerated. This variant has not been reported in the literature in individuals affected with ZDHHC9-related conditions. This variant is not present in population databases (gnomAD no frequency). This sequence change replaces methionine, which is neutral and non-polar, with isoleucine, which is neutral and non-polar, at codon 74 of the ZDHHC9 protein (p.Met74Ile).